The following is an entry in ClinVar:

NM_002547.3(OPHN1):c.1420+4_1420+7del

Gene: OPHN1 (oligophrenin 1; minus strand). Cytogenetic location: Xq12.
Variant type: Microsatellite.
Coding change: c.1420+4_1420+7del on transcript NM_002547.3 (MANE Select); bases 4 to 7 of the intron after coding-DNA position 1420, 4 bases deleted (AGTA; older notation c.1420+4_1420+7delAGTA).
Molecular consequence: splice donor variant.
Genome position (GRCh38, 1-based): chrX:68,113,174-68,113,177, TACT deleted on the plus strand (AGTA on the coding strand, the reverse complement: OPHN1 is on the minus strand); deleting any 4 consecutive bases within chrX:68,113,174-68,113,181 gives the same sequence; the c. name uses the placement nearest the transcript's 3' end. VCF-style (leftmost placement, unchanged base first): chrX-68113173-ATACT-A. GRCh37 (hg19) VCF-style: chrX-67333015-ATACT-A.
Other names: c.1420+4_1420+7del (NM_001437258.1).
Identifiers: ClinVar variation 4713479 (VCV004713479.1).

ClinVar aggregate classification (germline): Uncertain significance (1 of 4 stars; one submission).

Submission:

Labcorp Genetics (formerly Invitae), Labcorp
Classification: Uncertain significance. Last evaluated: 2025-03-06. Review status: criteria provided, single submitter. Criteria: Invitae Variant Classification Sherloc (09022015). Collection method: clinical testing. Allele origin: germline.
Comment: This sequence change falls in intron 17 of the OPHN1 gene. It does not directly change the encoded amino acid sequence of the OPHN1 protein. It affects a nucleotide within the consensus splice site. This variant is not present in population databases (gnomAD no frequency). This variant has not been reported in the literature in individuals affected with OPHN1-related conditions. Variants that disrupt the consensus splice site are a relatively common cause of aberrant splicing (PMID: 17576681, 9536098). Algorithms developed to predict the effect of sequence changes on RNA splicing suggest that this variant may disrupt the consensus splice site. In summary, the available evidence is currently insufficient to determine the role of this variant in disease. Therefore, it has been classified as a Variant of Uncertain Significance.

Literature cited by the submitters: PubMed 17576681; PubMed 9536098.